The following is an entry in ClinVar:

NM_001451.3(FOXF1):c.376C>A (p.Pro126Thr)

Gene: FOXF1 (forkhead box F1; plus strand). Cytogenetic location: 16q24.1.
Variant type: single nucleotide variant.
Coding change: c.376C>A on transcript NM_001451.3 (MANE Select); coding-DNA position 376, C replaced by A.
Protein change: p.Pro126Thr; replaces proline 126 with threonine.
Molecular consequence: missense variant.
Genome position (GRCh38, 1-based): chr16:86,510,945, C>A. VCF-style: chr16-86510945-C-A. GRCh37 (hg19) VCF-style: chr16-86544551-C-A.
Other names: short protein forms P126T.
Identifiers: ClinVar variation 5017957 (VCV005017957.1).

ClinVar aggregate classification (germline): Uncertain significance (1 of 4 stars; one submission).

Submission:

GeneDx
Classification: Uncertain significance. Last evaluated: 2026-03-31. Review status: criteria provided, single submitter. Criteria: GeneDx Variant Classification Process June 2021. Collection method: clinical testing. Allele origin: germline.
Comment: Not observed at significant frequency in large population cohorts (gnomAD); In silico analysis supports that this missense variant has a deleterious effect on protein structure/function; Has not been previously published as pathogenic or benign to our knowledge